The following is an entry in ClinVar:

NM_024675.4(PALB2):c.243G>C (p.Lys81Asn)

Gene: PALB2 (partner and localizer of BRCA2; minus strand). Cytogenetic location: 16p12.2.
Variant type: single nucleotide variant.
Coding change: c.243G>C on transcript NM_024675.4 (MANE Select); coding-DNA position 243, G replaced by C.
Protein change: p.Lys81Asn; replaces lysine 81 with asparagine.
Molecular consequence: missense variant.
Genome position (GRCh38, 1-based): chr16:23,636,303, C>G on the plus strand (G>C on the coding strand, the complement: PALB2 is on the minus strand). VCF-style: chr16-23636303-C-G. GRCh37 (hg19) VCF-style: chr16-23647624-C-G.
Other names: short protein forms K81N.
Identifiers: ClinVar variation 410171 (VCV000410171.10), dbSNP rs1060502775, ClinGen allele CA16614906.

ClinVar aggregate classification (germline): Uncertain significance. Review status: criteria provided, multiple submitters, no conflicts (2 of 4 stars). 2 submissions from 2 submitters: Uncertain significance (2). Last evaluated 2025-09-20.

Conditions:
Hereditary cancer-predisposing syndrome. Also called: Tumor predisposition; Hereditary Cancer Syndrome; Hereditary neoplastic syndrome; Neoplastic Syndromes, Hereditary. Identifiers: Orphanet 140162, MedGen C0027672, MeSH D009386, MONDO:0015356.
Familial cancer of breast. Also called: BREAST CANCER, FAMILIAL; Hereditary breast cancer; hereditary breast carcinoma. Identifiers: Orphanet 227535, MedGen C0346153, MONDO:0016419, OMIM 114480. Disease mechanism: loss of function.

Submissions (2):

Ambry Genetics
Classification: Uncertain significance for Hereditary cancer-predisposing syndrome. Last evaluated: 2025-09-20. Review status: criteria provided, single submitter. Criteria: Ambry Variant Classification Scheme 2023. Collection method: clinical testing. Allele origin: germline.
Comment: The p.K81N variant (also known as c.243G>C), located in coding exon 4 of the PALB2 gene, results from a G to C substitution at nucleotide position 243. The lysine at codon 81 is replaced by asparagine, an amino acid with similar properties. This amino acid position is conserved. In addition, this alteration is predicted to be tolerated by in silico analysis. Based on the available evidence, the clinical significance of this variant remains unclear.

Labcorp Genetics (formerly Invitae), Labcorp
Classification: Uncertain significance for Familial cancer of breast. Last evaluated: 2025-07-13. Review status: criteria provided, single submitter. Criteria: Invitae Variant Classification Sherloc (09022015). Collection method: clinical testing. Allele origin: germline.
Comment: This sequence change replaces lysine, which is basic and polar, with asparagine, which is neutral and polar, at codon 81 of the PALB2 protein (p.Lys81Asn). This variant is not present in population databases (gnomAD no frequency). This variant has not been reported in the literature in individuals affected with PALB2-related conditions. ClinVar contains an entry for this variant (Variation ID: 410171). An algorithm developed to predict the effect of missense changes on protein structure and function (PolyPhen-2) suggests that this variant is likely to be tolerated. In summary, the available evidence is currently insufficient to determine the role of this variant in disease. Therefore, it has been classified as a Variant of Uncertain Significance.